The following is an entry in ClinVar:

ClinVar aggregate classification (germline): Benign (1 of 4 stars; one submission).

Conditions:
Familial cancer of breast. Also called: Hereditary breast cancer; hereditary breast carcinoma; BREAST CANCER, FAMILIAL. Identifiers: Orphanet 227535, MedGen C0346153, MONDO:0016419, OMIM 114480. Disease mechanism: loss of function.

Submission:

Myriad Genetics, Inc.
Classification: Benign for Familial cancer of breast. Last evaluated: 2025-01-16. Review status: criteria provided, single submitter. Criteria: Myriad Autosomal Dominant, Autosomal Recessive and X-Linked Classification Criteria (2023). Collection method: clinical testing. Allele origin: unknown.
Comment: This variant is considered benign. This variant is a silent/synonymous amino acid change and it is not expected to impact splicing.

NM_024675.4(PALB2):c.2337A>T (p.Ser779=)

Gene: PALB2 (partner and localizer of BRCA2; minus strand). Cytogenetic location: 16p12.2.
Variant type: single nucleotide variant.
Coding change: c.2337A>T on transcript NM_024675.4 (MANE Select); coding-DNA position 2337, A replaced by T.
Protein change: p.Ser779=; no amino-acid change (serine 779 retained).
Molecular consequence: synonymous variant. On other transcripts: intron variant (1).
Genome position (GRCh38, 1-based): chr16:23,629,817, T>A on the plus strand (A>T on the coding strand, the complement: PALB2 is on the minus strand). VCF-style: chr16-23629817-T-A. GRCh37 (hg19) VCF-style: chr16-23641138-T-A.
Other names: c.2277A>T, p.Ser759= (NM_001407296.1); c.2337A>T, p.Ser779= (NM_001407297.1, NM_001407298.1, NM_001407299.1 and 3 more transcripts); c.1452A>T, p.Ser484= (NM_001407304.1, NM_001407305.1, NM_001407306.1 and 5 more transcripts); c.549A>T, p.Ser183= (NM_001407312.1, NM_001407313.1); c.49-542A>T (NM_001407314.1).
Identifiers: ClinVar variation 3904243 (VCV003904243.1).
Genomic context (GRCh38, chr16:23,629,817, plus strand): 5'-GGTAGGTTGTCCTTGCCTGCCTGACACTTGCAGGGTGGTATGTGGTTTTGCTGGGCTGCC[T>A]GAACTGTCGAATTGTTTAGTATCACTGGCAAGACAGACTGAGTCTTTCAAATGAGCAAGT-3'
Protein context (NP_078951.2, residues 769-789): LASDTKQFDS[Ser779=]GSPAKPHTTL